The following is an entry in ClinVar:

ClinVar aggregate classification (germline): Uncertain significance. Review status: criteria provided, multiple submitters, no conflicts (2 of 4 stars). 2 submissions from 2 submitters: Uncertain significance (2). Last evaluated 2025-06-12.

Conditions:
Imerslund-Grasbeck syndrome type 1 (IGS1). Also called: Imerslund-Gräsbeck syndrome 1; Megaloblastic anemia 1, Finnish type; MEGALOBLASTIC ANEMIA, 1. Identifiers: MedGen C4016819, MONDO:0100156, OMIM 261100.
Proteinuria, chronic benign. Identifiers: MedGen C5394384, MONDO:0030042, OMIM 618884.
Imerslund-Grasbeck syndrome. Also called: ENTEROCYTE COBALAMIN MALABSORPTION; ENTEROCYTE INTRINSIC FACTOR RECEPTOR, DEFECT OF; PERNICIOUS ANEMIA, JUVENILE, DUE TO SELECTIVE INTESTINAL MALABSORPTION OF VITAMIN B12, WITH PROTEINURIA; Imerslund-Gräsbeck syndrome; Megaloblastic anemia due to inborn errors of metabolism. Identifiers: Orphanet 35858, MedGen C4551825, MONDO:0009853.

Allele frequency attached by ClinVar (database versions not stated): gnomAD 0.00003; gnomAD exomes 0.00004; TOPMed 0.00003; ExAC 0.00004.
gnomAD v4.1: 58 of 1,613,684 alleles (0.0036%); highest among the groups gnomAD compares: Middle Eastern, 0.05%; no homozygotes.

Submissions (2):

Labcorp Genetics (formerly Invitae), Labcorp
Classification: Uncertain significance for Imerslund-Grasbeck syndrome. Last evaluated: 2025-06-12. Review status: criteria provided, single submitter. Criteria: Invitae Variant Classification Sherloc (09022015). Collection method: clinical testing. Allele origin: germline.
Comment: This sequence change replaces arginine, which is basic and polar, with glutamine, which is neutral and polar, at codon 3488 of the CUBN protein (p.Arg3488Gln). This variant is present in population databases (rs764524298, gnomAD 0.006%). This variant has not been reported in the literature in individuals affected with CUBN-related conditions. ClinVar contains an entry for this variant (Variation ID: 2049122). Invitae Evidence Modeling of protein sequence and biophysical properties (such as structural, functional, and spatial information, amino acid conservation, physicochemical variation, residue mobility, and thermodynamic stability) indicates that this missense variant is not expected to disrupt CUBN protein function with a negative predictive value of 80%. In summary, the available evidence is currently insufficient to determine the role of this variant in disease. Therefore, it has been classified as a Variant of Uncertain Significance.

Fulgent Genetics
Classification: Uncertain significance for Imerslund-Grasbeck syndrome type 1; Proteinuria, chronic benign. Last evaluated: 2024-05-12. Review status: criteria provided, single submitter. Criteria: ACMG Guidelines, 2015. Collection method: clinical testing. Allele origin: germline.

NM_001081.4(CUBN):c.10463G>A (p.Arg3488Gln)

Gene: CUBN (cubilin; minus strand). Cytogenetic location: 10p13.
Variant type: single nucleotide variant.
Coding change: c.10463G>A on transcript NM_001081.4 (MANE Select); coding-DNA position 10463, G replaced by A.
Protein change: p.Arg3488Gln; replaces arginine 3488 with glutamine.
Molecular consequence: missense variant.
Genome position (GRCh38, 1-based): chr10:16,831,317, C>T on the plus strand (G>A on the coding strand, the complement: CUBN is on the minus strand). VCF-style: chr10-16831317-C-T. GRCh37 (hg19) VCF-style: chr10-16873316-C-T.
Other names: short protein forms R3488Q.
Identifiers: ClinVar variation 2049122 (VCV002049122.4), dbSNP rs764524298, ClinGen allele CA5422374.